The following is an entry in ClinVar:

NM_001146079.2(CLDN14):c.83C>T (p.Pro28Leu)

Genes: CLDN14 (claudin 14; minus strand), CLDN14-AS1 (CLDN14 antisense RNA 1; plus strand). Cytogenetic location: 21q22.13.
Variant type: single nucleotide variant.
Coding change: c.83C>T on transcript NM_001146079.2 (MANE Select); coding-DNA position 83, C replaced by T.
Protein change: p.Pro28Leu; replaces proline 28 with leucine.
Molecular consequence: missense variant.
Genome position (GRCh38, 1-based): chr21:36,461,613, G>A on the plus strand (C>T on the coding strand, the complement: CLDN14 is on the minus strand). VCF-style: chr21-36461613-G-A. GRCh37 (hg19) VCF-style: chr21-37833911-G-A.
Other names: c.83C>T, p.Pro28Leu (NM_001146077.2, NM_001146078.3, NM_012130.4 and 1 more transcripts); c.83C>T (NM_144492.2); short protein forms P28L.
Identifiers: ClinVar variation 179611 (VCV000179611.6), dbSNP rs727504989, ClinGen allele CA184779.

ClinVar aggregate classification (germline): Conflicting classifications of pathogenicity. Review status: criteria provided, conflicting classifications (1 of 4 stars). 2 submissions from 2 submitters: Pathogenic (1); Uncertain significance (1). Last evaluated 2025-10-27.

Allele frequency attached by ClinVar (database versions not stated): ExAC 0.00002; gnomAD 0.00004 and 0.00003; gnomAD exomes 0.00001 and 0.00002; TOPMed 0.00003.
gnomAD v4.1: 23 of 1,601,958 alleles (0.0014%); highest among the groups gnomAD compares: Middle Eastern, 0.017%; no homozygotes.

Submissions (2):

GeneDx
Classification: Pathogenic. Last evaluated: 2025-10-27. Review status: criteria provided, single submitter. Criteria: GeneDx Variant Classification Process June 2021. Collection method: clinical testing. Allele origin: germline.
Comment: In silico analysis supports that this missense variant has a deleterious effect on protein structure/function; This variant is associated with the following publications: (PMID: 27838790, 32747562, 36597107, 26969326, 22422540)

Laboratory for Molecular Medicine, Mass General Brigham Personalized Medicine
Classification: Uncertain significance. Last evaluated: 2014-03-15. Review status: criteria provided, single submitter. Criteria: LMM Criteria. Collection method: clinical testing. Allele origin: germline. Observed: 1 variant allele.
Comment: The Pro28Leu variant in CLDN14 has not been previously reported in individuals w ith hearing loss or in large population studies. Computational prediction tools and conservation analyses suggest that the Pro28Leu variant may impact the prot ein, though this information is not predictive enough to determine pathogenicity . In summary, additional information is needed to fully assess the clinical sign ificance of this variant.